The following is an entry in ClinVar:

ClinVar aggregate classification (germline): Uncertain significance (1 of 4 stars; one submission).

Allele frequency attached by ClinVar (database versions not stated): gnomAD 0.00001; TOPMed 0.00001; ExAC 0.00002; ESP Exome Variant Server 0.00008.
gnomAD v4.1: 6 of 1,613,836 alleles (0.00037%); highest among the groups gnomAD compares: South Asian, 0.0022%; no homozygotes.

Submission:

Labcorp Genetics (formerly Invitae), Labcorp
Classification: Uncertain significance. Last evaluated: 2022-06-20. Review status: criteria provided, single submitter. Criteria: Invitae Variant Classification Sherloc (09022015). Collection method: clinical testing. Allele origin: germline.
Comment: This sequence change replaces proline, which is neutral and non-polar, with leucine, which is neutral and non-polar, at codon 2912 of the USH2A protein (p.Pro2912Leu). This variant is present in population databases (rs377191191, gnomAD 0.003%). This variant has not been reported in the literature in individuals affected with USH2A-related conditions. Algorithms developed to predict the effect of missense changes on protein structure and function output the following: SIFT: "Deleterious"; PolyPhen-2: "Benign"; Align-GVGD: "Class C15". The leucine amino acid residue is found in multiple mammalian species, which suggests that this missense change does not adversely affect protein function. In summary, the available evidence is currently insufficient to determine the role of this variant in disease. Therefore, it has been classified as a Variant of Uncertain Significance.

NM_206933.4(USH2A):c.8735C>T (p.Pro2912Leu)

Gene: USH2A (usherin; minus strand). Cytogenetic location: 1q41.
Variant type: single nucleotide variant.
Coding change: c.8735C>T on transcript NM_206933.4 (MANE Select); coding-DNA position 8735, C replaced by T.
Protein change: p.Pro2912Leu; replaces proline 2912 with leucine.
Molecular consequence: missense variant.
Genome position (GRCh38, 1-based): chr1:215,867,117, G>A on the plus strand (C>T on the coding strand, the complement: USH2A is on the minus strand). VCF-style: chr1-215867117-G-A. GRCh37 (hg19) VCF-style: chr1-216040459-G-A.
Other names: short protein forms P2912L.
Identifiers: ClinVar variation 1941893 (VCV001941893.2), dbSNP rs377191191, ClinGen allele CA1394521.